The following is an entry in ClinVar:

NM_001458.5(FLNC):c.2307G>A (p.Val769=)

Gene: FLNC (filamin C; plus strand). Cytogenetic location: 7q32.1.
Variant type: single nucleotide variant.
Coding change: c.2307G>A on transcript NM_001458.5 (MANE Select); coding-DNA position 2307, G replaced by A.
Protein change: p.Val769=; no amino-acid change (valine 769 retained).
Molecular consequence: synonymous variant.
Genome position (GRCh38, 1-based): chr7:128,842,616, G>A. VCF-style: chr7-128842616-G-A. GRCh37 (hg19) VCF-style: chr7-128482670-G-A.
Other names: c.2307G>A, p.Val769= (NM_001127487.2).
Identifiers: ClinVar variation 752226 (VCV000752226.18), dbSNP rs906089015, ClinGen allele CA166175084.

ClinVar aggregate classification (germline): Likely benign. Review status: criteria provided, multiple submitters, no conflicts (2 of 4 stars). 4 submissions from 4 submitters: Likely benign (4). Last evaluated 2026-03-01.

Conditions:
Distal myopathy with posterior leg and anterior hand involvement. Also called: WILLIAMS DISTAL MYOPATHY. Identifiers: Orphanet 63273, MedGen C3279722, MONDO:0013550, OMIM 614065.
Hypertrophic cardiomyopathy 26. Also called: Cardiomyopathy, familial hypertrophic, 26. Identifiers: Orphanet 75249, MedGen C4310749, MONDO:0014883, OMIM 617047.
Myofibrillar myopathy 5. Also called: Filaminopathy (type); FILAMINOPATHY, AUTOSOMAL DOMINANT. Identifiers: Orphanet 171445, MedGen C1836050, MONDO:0012289, OMIM 609524.
Cardiovascular phenotype. Identifiers: MedGen CN230736.

Allele frequency attached by ClinVar (database versions not stated): TOPMed below 0.00001; gnomAD 0.00001; gnomAD exomes 0.00001; 1000 Genomes Project 30x 0.00016.
gnomAD v4.1: 4 of 1,550,274 alleles (0.00026%); highest among the groups gnomAD compares: Admixed American, 0.0059%; no homozygotes.

Submissions (4):

CeGaT Center for Human Genetics Tuebingen
Classification: Likely benign. Last evaluated: 2026-03-01. Review status: criteria provided, single submitter. Criteria: CeGaT Center For Human Genetics Tuebingen Variant Classification Criteria Version 2. Collection method: clinical testing. Allele origin: germline. Affected: yes. Observed: 1 variant allele.
Comment: FLNC: BP4, BP7

Labcorp Genetics (formerly Invitae), Labcorp
Classification: Likely benign for Distal myopathy with posterior leg and anterior hand involvement; Myofibrillar myopathy 5; Hypertrophic cardiomyopathy 26. Last evaluated: 2025-11-03. Review status: criteria provided, single submitter. Criteria: Invitae Variant Classification Sherloc (09022015). Collection method: clinical testing. Allele origin: germline.

Fulgent Genetics
Classification: Likely benign for Myofibrillar myopathy 5; Distal myopathy with posterior leg and anterior hand involvement; Hypertrophic cardiomyopathy 26. Last evaluated: 2021-08-26. Review status: criteria provided, single submitter. Criteria: ACMG Guidelines, 2015. Collection method: clinical testing. Allele origin: unknown.

Ambry Genetics
Classification: Likely benign for Cardiovascular phenotype. Last evaluated: 2019-09-27. Review status: criteria provided, single submitter. Criteria: Ambry Variant Classification Scheme 2023. Collection method: clinical testing. Allele origin: germline.